The following is an entry in ClinVar:

NM_001283009.2(RTEL1):c.1256A>G (p.Gln419Arg)

Genes: RTEL1 (regulator of telomere elongation helicase 1; plus strand), RTEL1-TNFRSF6B (RTEL1-TNFRSF6B readthrough (NMD candidate); plus strand). Cytogenetic location: 20q13.33.
Variant type: single nucleotide variant.
Coding change: c.1256A>G on transcript NM_001283009.2 (MANE Select); coding-DNA position 1256, A replaced by G.
Protein change: p.Gln419Arg; replaces glutamine 419 with arginine.
Molecular consequence: missense variant. On other transcripts: non-coding transcript variant (1).
Genome position (GRCh38, 1-based): chr20:63,685,587, A>G. VCF-style: chr20-63685587-A-G. GRCh37 (hg19) VCF-style: chr20-62316940-A-G.
Other names: c.587A>G, p.Gln196Arg (NM_001283010.1); c.1256A>G, p.Gln419Arg (NM_016434.4); c.1328A>G, p.Gln443Arg (NM_032957.5); short protein forms Q196R, Q419R, Q443R.
Identifiers: ClinVar variation 2581789 (VCV002581789.1), dbSNP rs2517096917, ClinGen allele CA409675810.
Genomic context (GRCh38, chr20:63,685,587, plus strand): 5'-TGTTCAGTGTGGACCCCTCCGAGGGCAGCCCTGGTTCCCCAGCAGGGCTGGGGGCCTTAC[A>G]GTCCTATAAGGTAGGGGCCACCTCCAGGAGGCAGGTGGAGGGCAGCCCTTGTTCCCCGGC-3'
Protein context (NP_001269938.1, residues 409-429): PGSPAGLGAL[Gln419Arg]SYKVHIHPDA

ClinVar aggregate classification (germline): Uncertain significance (1 of 4 stars; one submission).

gnomAD v4.1: 4 of 1,611,416 alleles (0.00025%); highest among the groups gnomAD compares: Non-Finnish European, 0.00034%; no homozygotes.

Submission:

GeneDx
Classification: Uncertain significance. Last evaluated: 2023-03-24. Review status: criteria provided, single submitter. Criteria: GeneDx Variant Classification Process June 2021. Collection method: clinical testing. Allele origin: germline. Affected: yes.
Comment: Not observed at significant frequency in large population cohorts (gnomAD); In silico analysis supports that this missense variant does not alter protein structure/function; Has not been previously published as pathogenic or benign to our knowledge